The following is an entry in ClinVar:

ClinVar aggregate classification (germline): Uncertain significance (1 of 4 stars; one submission).

Allele frequency attached by ClinVar (database versions not stated): gnomAD exomes below 0.00001; gnomAD 0.00001; TOPMed 0.00001.
gnomAD v4.1: 2 of 1,614,086 alleles (0.00012%); highest among the groups gnomAD compares: Non-Finnish European, 0.00017%; no homozygotes.

Submission:

Women's Health and Genetics/Laboratory Corporation of America, LabCorp
Classification: Uncertain significance. Last evaluated: 2023-02-04. Review status: criteria provided, single submitter. Criteria: LabCorp Variant Classification Summary - May 2015. Collection method: clinical testing. Allele origin: germline.
Comment: Variant summary: NOTCH3 c.3616A>G (p.Ile1206Val) results in a conservative amino acid change located in the EGF-like domain (IPR000742) of the encoded protein sequence. Four of five in-silico tools predict a benign effect of the variant on protein function. The variant was absent in 250582 control chromosomes (gnomAD). The available data on variant occurrences in the general population are insufficient to allow any conclusion about variant significance. To our knowledge, no occurrence of c.3616A>G in individuals affected with NOTCH3-Related Disorders and no experimental evidence demonstrating its impact on protein function have been reported. No clinical diagnostic laboratories have submitted clinical-significance assessments for this variant to ClinVar after 2014. Based on the evidence outlined above, the variant was classified as uncertain significance.

NM_000435.3(NOTCH3):c.3616A>G (p.Ile1206Val)

Gene: NOTCH3 (notch receptor 3; minus strand). Cytogenetic location: 19p13.12.
Variant type: single nucleotide variant.
Coding change: c.3616A>G on transcript NM_000435.3 (MANE Select); coding-DNA position 3616, A replaced by G.
Protein change: p.Ile1206Val; replaces isoleucine 1206 with valine.
Molecular consequence: missense variant.
Genome position (GRCh38, 1-based): chr19:15,179,127, T>C on the plus strand (A>G on the coding strand, the complement: NOTCH3 is on the minus strand). VCF-style: chr19-15179127-T-C. GRCh37 (hg19) VCF-style: chr19-15289938-T-C.
Other names: c.3616A>G (NM_000435.2); short protein forms I1206V.
Identifiers: ClinVar variation 2445690 (VCV002445690.1), dbSNP rs986650645, ClinGen allele CA305769380.